The following is an entry in ClinVar:

NM_004310.5(RHOH):c.245G>A (p.Cys82Tyr)

Gene: RHOH (ras homolog family member H; plus strand). Cytogenetic location: 4p14.
Variant type: single nucleotide variant.
Coding change: c.245G>A on transcript NM_004310.5 (MANE Select); coding-DNA position 245, G replaced by A.
Protein change: p.Cys82Tyr; replaces cysteine 82 with tyrosine.
Molecular consequence: missense variant.
Genome position (GRCh38, 1-based): chr4:40,243,631, G>A. VCF-style: chr4-40243631-G-A. GRCh37 (hg19) VCF-style: chr4-40245251-G-A.
Other names: c.245G>A, p.Cys82Tyr (NM_001278359.2, NM_001278360.2, NM_001278361.2 and 8 more transcripts); short protein forms C82Y.
Identifiers: ClinVar variation 3384151 (VCV003384151.1).

ClinVar aggregate classification (germline): no classifications from unflagged records (0 of 4 stars; one submission).

Conditions:
Epidermodysplasia verruciformis, susceptibility to, 4. Identifiers: MedGen C4749042, MONDO:0032666, OMIM 618307.

Submission:

OMIM
Classification: Pathogenic for IMMUNODEFICIENCY 129. Last evaluated: 2024-12-06. Review status: flagged submission. Collection method: literature only. Allele origin: germline.
ClinVar note: Notes: Flagging candidate with reason of insufficient supporting evidence. This gene has been classified as having a limited gene-disease relationship by a ClinGen Expert Panel.
ClinVar note: Reason: P/LP classification for a variant in a gene with insufficient evidence for a gene-disease relationship

Literature cited by the submitters: PubMed 38775840.